The following is an entry in ClinVar:

ClinVar aggregate classification (germline): Likely benign. Review status: criteria provided, multiple submitters, no conflicts (2 of 4 stars). 2 submissions from 2 submitters: Likely benign (2). Last evaluated 2025-05-14.

Conditions:
Left ventricular noncompaction 8 (LVNC8). Identifiers: Orphanet 154, Orphanet 54260, MedGen C3809288, MONDO:0014152, OMIM 615373.

Allele frequency attached by ClinVar (database versions not stated): gnomAD 0.00001; gnomAD exomes 0.00001; ExAC 0.00002; TOPMed 0.00002.
gnomAD v4.1: 23 of 1,584,624 alleles (0.0015%); highest among the groups gnomAD compares: Middle Eastern, 0.017%; no homozygotes.

Submissions (2):

Labcorp Genetics (formerly Invitae), Labcorp
Classification: Likely benign for Left ventricular noncompaction 8. Last evaluated: 2025-05-14. Review status: criteria provided, single submitter. Criteria: Invitae Variant Classification Sherloc (09022015). Collection method: clinical testing. Allele origin: germline.

Laboratory for Molecular Medicine, Mass General Brigham Personalized Medicine
Classification: Likely benign. Last evaluated: 2015-03-11. Review status: criteria provided, single submitter. Criteria: LMM Criteria. Collection method: clinical testing. Allele origin: germline. Observed: 1 variant allele.
Comment: p.Pro659Pro in exon 9 of PRDM16: This variant is not expected to have clinical s ignificance because it does not alter an amino acid residue and is not located w ithin the splice consensus sequence. It is identified in 1/6592 Finnish chromoso mes and 1/11314 South Asian chromosomes by the Exome Aggregation Consortium (ExA C).

NM_022114.4(PRDM16):c.1977G>A (p.Pro659=)

Gene: PRDM16 (PR/SET domain 16; plus strand). Cytogenetic location: 1p36.32.
Variant type: single nucleotide variant.
Coding change: c.1977G>A on transcript NM_022114.4 (MANE Select); coding-DNA position 1977, G replaced by A.
Protein change: p.Pro659=; no amino-acid change (proline 659 retained).
Molecular consequence: synonymous variant.
Genome position (GRCh38, 1-based): chr1:3,412,174, G>A. VCF-style: chr1-3412174-G-A. GRCh37 (hg19) VCF-style: chr1-3328738-G-A.
Other names: c.1977G>A, p.Pro659= (NM_199454.3).
Identifiers: ClinVar variation 227863 (VCV000227863.12), dbSNP rs759550479, ClinGen allele CA544351.